The following is an entry in ClinVar:

NM_001370259.2(MEN1):c.442A>G (p.Thr148Ala)

Gene: MEN1 (menin 1; minus strand). Cytogenetic location: 11q13.1.
Variant type: single nucleotide variant.
Coding change: c.442A>G on transcript NM_001370259.2 (MANE Select); coding-DNA position 442, A replaced by G.
Protein change: p.Thr148Ala; replaces threonine 148 with alanine.
Molecular consequence: missense variant.
Genome position (GRCh38, 1-based): chr11:64,809,668, T>C on the plus strand (A>G on the coding strand, the complement: MEN1 is on the minus strand). VCF-style: chr11-64809668-T-C. GRCh37 (hg19) VCF-style: chr11-64577140-T-C.
Other names: c.442A>G, p.Thr148Ala (NM_000244.4, NM_001370251.2, NM_001370260.2 and 9 more transcripts); short protein forms T148A.
Identifiers: ClinVar variation 428082 (VCV000428082.11), dbSNP rs1114167537, ClinGen allele CA381186661.

ClinVar aggregate classification (germline): Uncertain significance. Review status: criteria provided, multiple submitters, no conflicts (2 of 4 stars). 2 submissions from 2 submitters: Uncertain significance (2). Last evaluated 2025-01-16.

Conditions:
Hereditary cancer-predisposing syndrome. Also called: Hereditary neoplastic syndrome; Tumor predisposition; Neoplastic Syndromes, Hereditary; Hereditary Cancer Syndrome. Identifiers: Orphanet 140162, MedGen C0027672, MeSH D009386, MONDO:0015356.
Multiple endocrine neoplasia, type 1 (MEN1). Also called: MEN I; Endocrine adenomatosis multiple; MEN 1; WERMER SYNDROME; MEA I. Identifiers: Orphanet 652, MedGen C0025267, MeSH D018761, MONDO:0007540, OMIM 131100.

Submissions (2):

Labcorp Genetics (formerly Invitae), Labcorp
Classification: Uncertain significance for Multiple endocrine neoplasia, type 1. Last evaluated: 2025-01-16. Review status: criteria provided, single submitter. Criteria: Invitae Variant Classification Sherloc (09022015). Collection method: clinical testing. Allele origin: germline.
Comment: This sequence change replaces threonine, which is neutral and polar, with alanine, which is neutral and non-polar, at codon 148 of the MEN1 protein (p.Thr148Ala). This variant is not present in population databases (gnomAD no frequency). This variant has not been reported in the literature in individuals affected with MEN1-related conditions. ClinVar contains an entry for this variant (Variation ID: 428082). Invitae Evidence Modeling of protein sequence and biophysical properties (such as structural, functional, and spatial information, amino acid conservation, physicochemical variation, residue mobility, and thermodynamic stability) indicates that this missense variant is expected to disrupt MEN1 protein function with a positive predictive value of 95%. Algorithms developed to predict the effect of sequence changes on RNA splicing suggest that this variant may create or strengthen a splice site. In summary, the available evidence is currently insufficient to determine the role of this variant in disease. Therefore, it has been classified as a Variant of Uncertain Significance.

Ambry Genetics
Classification: Uncertain significance for Hereditary cancer-predisposing syndrome. Last evaluated: 2015-07-08. Review status: criteria provided, single submitter. Criteria: Ambry Variant Classification Scheme 2023. Collection method: clinical testing. Allele origin: germline.
Comment: The p.T148A variant (also known as c.442A>G), located in coding exon 1 of the MEN1 gene, results from an A to G substitution at nucleotide position 442. The threonine at codon 148 is replaced by alanine, an amino acid with similar properties. This variant was not reported in population based cohorts in the following databases: Database of Single Nucleotide Polymorphisms (dbSNP), NHLBI Exome Sequencing Project (ESP), and 1000 Genomes Project. In the ESP, this variant was not observed in 6498 samples (12996 alleles) with coverage at this position. To date, this alteration has been detected with an allele frequency of approximately 0.05% (greater than 1900 alleles tested) in our clinical cohort. This amino acid position is highly conserved in available vertebrate species. In addition, this alteration is predicted to be deleterious by in silico analysis. Since supporting evidence is limited at this time, the clinical significance of p.T148A remains unclear.